The following is an entry in ClinVar:

ClinVar aggregate classification (germline): Uncertain significance. Review status: criteria provided, multiple submitters, no conflicts (2 of 4 stars). 4 submissions from 4 submitters: Uncertain significance (4). Last evaluated 2024-08-28.

Conditions:
Inborn genetic diseases. Identifiers: MedGen C0950123, MeSH D030342.
Retinitis pigmentosa (RP). Identifiers: Orphanet 791, MedGen C0035334, MeSH D012174, MONDO:0019200, OMIM 268000. Inheritance: Autosomal dominant, autosomal recessive and X linked inheritance.

Allele frequency attached by ClinVar (database versions not stated): TOPMed 0.00002; ExAC 0.00003; gnomAD 0.00003; gnomAD exomes 0.00003 and 0.00007.
gnomAD v4.1: 111 of 1,613,314 alleles (0.0069%); highest among the groups gnomAD compares: Non-Finnish European, 0.0087%; no homozygotes.

Submissions (4):

Ambry Genetics
Classification: Uncertain significance for Inborn genetic diseases. Last evaluated: 2024-08-28. Review status: criteria provided, single submitter. Criteria: Ambry Variant Classification Scheme 2023. Collection method: clinical testing. Allele origin: germline.

Blueprint Genetics
Classification: Uncertain significance. Last evaluated: 2024-06-26. Review status: criteria provided, single submitter. Criteria: ACMG Guidelines, 2015. Collection method: clinical testing. Allele origin: germline.

Labcorp Genetics (formerly Invitae), Labcorp
Classification: Uncertain significance. Last evaluated: 2022-06-20. Review status: criteria provided, single submitter. Criteria: Invitae Variant Classification Sherloc (09022015). Collection method: clinical testing. Allele origin: germline.
Comment: This sequence change replaces arginine, which is basic and polar, with tryptophan, which is neutral and slightly polar, at codon 629 of the MERTK protein (p.Arg629Trp). This variant is present in population databases (rs749774293, gnomAD 0.007%). This variant has not been reported in the literature in individuals affected with MERTK-related conditions. ClinVar contains an entry for this variant (Variation ID: 892740). Algorithms developed to predict the effect of missense changes on protein structure and function are either unavailable or do not agree on the potential impact of this missense change (SIFT: "Deleterious"; PolyPhen-2: "Probably Damaging"; Align-GVGD: "Class C0"). In summary, the available evidence is currently insufficient to determine the role of this variant in disease. Therefore, it has been classified as a Variant of Uncertain Significance.

Illumina Laboratory Services, Illumina
Classification: Uncertain significance for Retinitis pigmentosa. Last evaluated: 2018-01-13. Review status: criteria provided, single submitter. Criteria: ICSL Variant Classification Criteria 13 December 2019. Collection method: clinical testing. Allele origin: germline.

NM_006343.3(MERTK):c.1885C>T (p.Arg629Trp)

Gene: MERTK (MER proto-oncogene, tyrosine kinase; plus strand). Cytogenetic location: 2q13.
Variant type: single nucleotide variant.
Coding change: c.1885C>T on transcript NM_006343.3 (MANE Select); coding-DNA position 1885, C replaced by T.
Protein change: p.Arg629Trp; replaces arginine 629 with tryptophan.
Molecular consequence: missense variant.
Genome position (GRCh38, 1-based): chr2:112,008,400, C>T. VCF-style: chr2-112008400-C-T. GRCh37 (hg19) VCF-style: chr2-112765977-C-T.
Other names: short protein forms R629W.
Identifiers: ClinVar variation 892740 (VCV000892740.10), dbSNP rs749774293, ClinGen allele CA1831585.